The following is an entry in ClinVar:

NM_001395656.1(ROBO2):c.2487G>C (p.Lys829Asn)

Gene: ROBO2 (roundabout guidance receptor 2; plus strand). Cytogenetic location: 3p12.3.
Variant type: single nucleotide variant.
Coding change: c.2487G>C on transcript NM_001395656.1 (MANE Select); coding-DNA position 2487, G replaced by C.
Protein change: p.Lys829Asn; replaces lysine 829 with asparagine.
Molecular consequence: missense variant.
Genome position (GRCh38, 1-based): chr3:77,580,093, G>C. VCF-style: chr3-77580093-G-C. GRCh37 (hg19) VCF-style: chr3-77629244-G-C.
Other names: c.2523G>C, p.Lys841Asn (NM_001128929.3); c.2487G>C, p.Lys829Asn (NM_001290039.2, NM_001290040.2, NM_001378202.1); c.696G>C, p.Lys232Asn (NM_001290065.2); c.2535G>C, p.Lys845Asn (NM_001378190.1, NM_001378191.1, NM_001378195.1 and 4 more transcripts); c.2556G>C, p.Lys852Asn (NM_001378192.1, NM_001378194.1, NM_001378198.1 and 2 more transcripts); c.2475G>C, p.Lys825Asn (NM_001378193.1, NM_001378197.1, NM_002942.5); c.2544G>C, p.Lys848Asn (NM_001394212.1, NM_001394214.1, NM_001395657.1); short protein forms K232N, K825N, K829N, K841N, K845N, K848N, K852N.
Identifiers: ClinVar variation 3384369 (VCV003384369.1).

ClinVar aggregate classification (germline): Uncertain significance (1 of 4 stars; one submission).

gnomAD v4.1: 1 of 1,613,818 alleles (0.000062%); highest among the groups gnomAD compares: Non-Finnish European, 0.000085%; no homozygotes.

Submission:

GeneDx
Classification: Uncertain significance. Last evaluated: 2024-06-06. Review status: criteria provided, single submitter. Criteria: GeneDx Variant Classification Process June 2021. Collection method: clinical testing. Allele origin: germline. Affected: yes.
Comment: Not observed at significant frequency in large population cohorts (gnomAD); In silico analysis supports that this missense variant has a deleterious effect on protein structure/function; Has not been previously published as pathogenic or benign to our knowledge; This variant is associated with the following publications: (PMID: 27535533)